The following is an entry in ClinVar:

NM_004562.3(PRKN):c.907C>T (p.His303Tyr)

Gene: PRKN (parkin RBR E3 ubiquitin protein ligase; minus strand). Cytogenetic location: 6q26.
Variant type: single nucleotide variant.
Coding change: c.907C>T on transcript NM_004562.3 (MANE Select); coding-DNA position 907, C replaced by T.
Protein change: p.His303Tyr; replaces histidine 303 with tyrosine.
Molecular consequence: missense variant.
Genome position (GRCh38, 1-based): chr6:161,569,381, G>A on the plus strand (C>T on the coding strand, the complement: PRKN is on the minus strand). VCF-style: chr6-161569381-G-A. GRCh37 (hg19) VCF-style: chr6-161990413-G-A.
Other names: c.823C>T, p.His275Tyr (NM_013987.3); c.460C>T, p.His154Tyr (NM_013988.3); short protein forms H303Y, H275Y, H154Y.
Identifiers: ClinVar variation 2069170 (VCV002069170.4), dbSNP rs766948045, ClinGen allele CA4090114.

ClinVar aggregate classification (germline): Uncertain significance (1 of 4 stars; one submission).

Allele frequency attached by ClinVar (database versions not stated): TOPMed below 0.00001; ExAC 0.00001; gnomAD 0.00001; gnomAD exomes 0.00002.
gnomAD v4.1: 12 of 1,613,830 alleles (0.00074%); highest among the groups gnomAD compares: Middle Eastern, 0.033%; no homozygotes.

Submission:

Labcorp Genetics (formerly Invitae), Labcorp
Classification: Uncertain significance. Last evaluated: 2022-08-15. Review status: criteria provided, single submitter. Criteria: Invitae Variant Classification Sherloc (09022015). Collection method: clinical testing. Allele origin: germline.
Comment: This sequence change replaces histidine, which is basic and polar, with tyrosine, which is neutral and polar, at codon 303 of the PRKN protein (p.His303Tyr). This variant is present in population databases (rs766948045, gnomAD 0.003%). This variant has not been reported in the literature in individuals affected with PRKN-related conditions. Algorithms developed to predict the effect of missense changes on protein structure and function (SIFT, PolyPhen-2, Align-GVGD) all suggest that this variant is likely to be disruptive. In summary, the available evidence is currently insufficient to determine the role of this variant in disease. Therefore, it has been classified as a Variant of Uncertain Significance.